The following is an entry in ClinVar:

ClinVar aggregate classification (germline): Uncertain significance. Review status: criteria provided, multiple submitters, no conflicts (2 of 4 stars). 2 submissions from 2 submitters: Uncertain significance (2). Last evaluated 2025-11-09.

Conditions:
Inborn genetic diseases. Identifiers: MedGen C0950123, MeSH D030342.
Benign neonatal seizures. Also called: Benign familial neonatal seizures; Benign familial neonatal epilepsy; Convulsions benign familial neonatal dominant form; Autosomal dominant form of benign neonatal seizures; Benign neonatal familial convulsions. Identifiers: Orphanet 1949, MedGen C0220669, MONDO:0016027.

Allele frequency attached by ClinVar (database versions not stated): gnomAD exomes 0.00002; TOPMed 0.00002; ExAC 0.00003; 1000 Genomes Project 30x 0.00016.
gnomAD v4.1: 19 of 1,614,146 alleles (0.0012%); highest among the groups gnomAD compares: South Asian, 0.0033%; no homozygotes.

Submissions (2):

Labcorp Genetics (formerly Invitae), Labcorp
Classification: Uncertain significance for Benign neonatal seizures. Last evaluated: 2025-11-09. Review status: criteria provided, single submitter. Criteria: Invitae Variant Classification Sherloc (09022015). Collection method: clinical testing. Allele origin: germline.
Comment: This sequence change replaces proline, which is neutral and non-polar, with leucine, which is neutral and non-polar, at codon 693 of the KCNQ3 protein (p.Pro693Leu). This variant is present in population databases (rs755177673, gnomAD 0.005%). This variant has not been reported in the literature in individuals affected with KCNQ3-related conditions. ClinVar contains an entry for this variant (Variation ID: 937870). Invitae Evidence Modeling of protein sequence and biophysical properties (such as structural, functional, and spatial information, amino acid conservation, physicochemical variation, residue mobility, and thermodynamic stability) indicates that this missense variant is not expected to disrupt KCNQ3 protein function with a negative predictive value of 95%. In summary, the available evidence is currently insufficient to determine the role of this variant in disease. Therefore, it has been classified as a Variant of Uncertain Significance.

Ambry Genetics
Classification: Uncertain significance for Inborn genetic diseases. Last evaluated: 2025-06-30. Review status: criteria provided, single submitter. Criteria: Ambry Variant Classification Scheme 2023. Collection method: clinical testing. Allele origin: germline.

NM_004519.4(KCNQ3):c.2078C>T (p.Pro693Leu)

Gene: KCNQ3 (potassium voltage-gated channel subfamily Q member 3; minus strand). Cytogenetic location: 8q24.22.
Variant type: single nucleotide variant.
Coding change: c.2078C>T on transcript NM_004519.4 (MANE Select); coding-DNA position 2078, C replaced by T.
Protein change: p.Pro693Leu; replaces proline 693 with leucine.
Molecular consequence: missense variant.
Genome position (GRCh38, 1-based): chr8:132,129,803, G>A on the plus strand (C>T on the coding strand, the complement: KCNQ3 is on the minus strand). VCF-style: chr8-132129803-G-A. GRCh37 (hg19) VCF-style: chr8-133142050-G-A.
Other names: c.1718C>T, p.Pro573Leu (NM_001204824.2); short protein forms P573L, P693L.
Identifiers: ClinVar variation 937870 (VCV000937870.13), dbSNP rs755177673, ClinGen allele CA4880508.